The following is an entry in ClinVar:

NM_005216.5(DDOST):c.656C>T (p.Ala219Val)

Gene: DDOST (dolichyl-diphosphooligosaccharide--protein glycosyltransferase non-catalytic subunit; minus strand). Cytogenetic location: 1p36.12.
Variant type: single nucleotide variant.
Coding change: c.656C>T on transcript NM_005216.5 (MANE Select); coding-DNA position 656, C replaced by T.
Protein change: p.Ala219Val; replaces alanine 219 with valine.
Molecular consequence: missense variant.
Genome position (GRCh38, 1-based): chr1:20,654,361, G>A on the plus strand (C>T on the coding strand, the complement: DDOST is on the minus strand). VCF-style: chr1-20654361-G-A. GRCh37 (hg19) VCF-style: chr1-20980854-G-A.
Other names: c.707C>T (NM_005216.4); short protein forms A219V.
Identifiers: ClinVar variation 2999408 (VCV002999408.4), dbSNP rs765003010, ClinGen allele CA661150.
Genomic context (GRCh38, chr1:20,654,361, plus strand): 5'-ATGACGCGGGCATTGTTCCTGGCCTGGAGCCCAGCAATGAGGAGGGTGTTCTTCCCCACC[G>A]CATGTGGATACTGGGAACAAAACGAGGCTGTGACCCAAGCAGTTCCAAGTAAGGGAAAAG-3'
Protein context (NP_005207.3, residues 209-229): PDKPITQYPH[Ala219Val]VGKNTLLIAG

ClinVar aggregate classification (germline): Uncertain significance. Review status: criteria provided, multiple submitters, no conflicts (2 of 4 stars). 2 submissions from 2 submitters: Uncertain significance (2). Last evaluated 2025-10-15.

Conditions:
Congenital disorder of glycosylation type Ir (CDG1R). Also called: DDOST-congenital disorder of glycosylation. Identifiers: Orphanet 300536, MedGen C3281084, MONDO:0013789, OMIM 614507.

Allele frequency attached by ClinVar (database versions not stated): TOPMed 0.00001; ExAC 0.00004.
gnomAD v4.1: 11 of 1,559,742 alleles (0.00071%); highest among the groups gnomAD compares: East Asian, 0.0072%; no homozygotes.

Submissions (2):

Ambry Genetics
Classification: Uncertain significance. Last evaluated: 2025-10-15. Review status: criteria provided, single submitter. Criteria: Ambry Variant Classification Scheme 2023. Collection method: clinical testing. Allele origin: germline.

Labcorp Genetics (formerly Invitae), Labcorp
Classification: Uncertain significance for Congenital disorder of glycosylation type Ir. Last evaluated: 2023-10-06. Review status: criteria provided, single submitter. Criteria: Invitae Variant Classification Sherloc (09022015). Collection method: clinical testing. Allele origin: germline.
Comment: This sequence change replaces alanine, which is neutral and non-polar, with valine, which is neutral and non-polar, at codon 236 of the DDOST protein (p.Ala236Val). The frequency data for this variant in the population databases is considered unreliable, as metrics indicate poor data quality at this position in the gnomAD database. This variant has not been reported in the literature in individuals affected with DDOST-related conditions. Advanced modeling of protein sequence and biophysical properties (such as structural, functional, and spatial information, amino acid conservation, physicochemical variation, residue mobility, and thermodynamic stability) performed at Invitae indicates that this missense variant is not expected to disrupt DDOST protein function. In summary, the available evidence is currently insufficient to determine the role of this variant in disease. Therefore, it has been classified as a Variant of Uncertain Significance.